The following is an entry in ClinVar:

NC_000011.10:g.(?_47331851)_(47352667_?)del

Gene: MYBPC3 (myosin binding protein C3; minus strand). Cytogenetic location: 11p11.2.
Variant type: Deletion.
Identifiers: ClinVar variation 454297 (VCV000454297.1).

ClinVar aggregate classification (germline): Pathogenic (1 of 4 stars; one submission).

Conditions:
Hypertrophic cardiomyopathy. Also called: HYPERTROPHIC MYOCARDIOPATHY. Identifiers: Orphanet 217569, MedGen C0007194, MeSH D002312, MONDO:0005045, HP:0001639.

Submission:

Labcorp Genetics (formerly Invitae), Labcorp
Classification: Pathogenic for Hypertrophic cardiomyopathy. Last evaluated: 2017-04-26. Review status: criteria provided, single submitter. Criteria: Invitae Variant Classification Sherloc (09022015). Collection method: clinical testing. Allele origin: germline.
Comment: A gross deletion of the genomic region encompassing the full coding sequence of the MYBPC3 gene has been identified. The boundaries of this event are unknown as the deletion extends beyond the assayed region for this gene and therefore may encompass additional genes. While this particular variant has not been reported in the literature, loss-of-function variants in MYBPC3 are known to be pathogenic (PMID: 19574547). For these reasons, this variant has been classified as Pathogenic.